The following is an entry in ClinVar:

ClinVar aggregate classification (germline): Uncertain significance (1 of 4 stars; one submission).

Conditions:
Neurodegeneration with brain iron accumulation 6 (NBIA6). Also called: COASY protein-associated neurodegeneration. Identifiers: Orphanet 397725, MedGen C4517377, MONDO:0014290, OMIM 615643.

Submission:

Labcorp Genetics (formerly Invitae), Labcorp
Classification: Uncertain significance for Neurodegeneration with brain iron accumulation 6. Last evaluated: 2023-08-17. Review status: criteria provided, single submitter. Criteria: Invitae Variant Classification Sherloc (09022015). Collection method: clinical testing. Allele origin: germline.
Comment: ClinVar contains an entry for this variant (Variation ID: 2009730). This variant has not been reported in the literature in individuals affected with COASY-related conditions. This variant is not present in population databases (gnomAD no frequency). This sequence change replaces leucine, which is neutral and non-polar, with valine, which is neutral and non-polar, at codon 121 of the COASY protein (p.Leu121Val). Advanced modeling of protein sequence and biophysical properties (such as structural, functional, and spatial information, amino acid conservation, physicochemical variation, residue mobility, and thermodynamic stability) performed at Invitae indicates that this missense variant is not expected to disrupt COASY protein function. In summary, the available evidence is currently insufficient to determine the role of this variant in disease. Therefore, it has been classified as a Variant of Uncertain Significance.

NM_025233.7(COASY):c.361C>G (p.Leu121Val)

Gene: COASY (Coenzyme A synthase; plus strand). Cytogenetic location: 17q21.2.
Variant type: single nucleotide variant.
Coding change: c.361C>G on transcript NM_025233.7 (MANE Select); coding-DNA position 361, C replaced by G.
Protein change: p.Leu121Val; replaces leucine 121 with valine.
Molecular consequence: missense variant.
Genome position (GRCh38, 1-based): chr17:42,562,983, C>G. VCF-style: chr17-42562983-C-G. GRCh37 (hg19) VCF-style: chr17-40715001-C-G.
Other names: c.361C>G, p.Leu121Val (NM_001042529.3); c.448C>G, p.Leu150Val (NM_001042532.4); short protein forms L121V, L150V.
Identifiers: ClinVar variation 2009730 (VCV002009730.4), dbSNP rs2510677913, ClinGen allele CA399617646.